The following is an entry in ClinVar:

ClinVar aggregate classification (germline): Conflicting classifications of pathogenicity. Review status: criteria provided, conflicting classifications (1 of 4 stars). 2 submissions from 2 submitters: Uncertain significance (1); Likely benign (1). Last evaluated 2023-06-16.

Conditions:
Catecholaminergic polymorphic ventricular tachycardia 1. Also called: VENTRICULAR TACHYCARDIA, CATECHOLAMINERGIC POLYMORPHIC, 1, WITH OR WITHOUT ATRIAL DYSFUNCTION AND/OR DILATED CARDIOMYOPATHY; VENTRICULAR TACHYCARDIA, STRESS-INDUCED POLYMORPHIC 1; RYR2-Related Catecholaminergic Polymorphic Ventricular Tachycardia. Identifiers: Orphanet 3286, MedGen C1631597, MONDO:0011484, OMIM 604772.

Allele frequency attached by ClinVar (database versions not stated): gnomAD exomes below 0.00001; TOPMed below 0.00001.
gnomAD v4.1: 4 of 1,000,594 alleles (0.0004%); highest among the groups gnomAD compares: Admixed American, 0.004%; no homozygotes.

Submissions (2):

Blueprint Genetics
Classification: Likely benign. Last evaluated: 2023-06-16. Review status: criteria provided, single submitter. Criteria: ACMG Guidelines, 2015. Collection method: clinical testing. Allele origin: germline.

Labcorp Genetics (formerly Invitae), Labcorp
Classification: Uncertain significance for Catecholaminergic polymorphic ventricular tachycardia 1. Last evaluated: 2022-07-25. Review status: criteria provided, single submitter. Criteria: Invitae Variant Classification Sherloc (09022015). Collection method: clinical testing. Allele origin: germline.
Comment: This sequence change replaces isoleucine, which is neutral and non-polar, with valine, which is neutral and non-polar, at codon 534 of the TRDN protein (p.Ile534Val). This variant is not present in population databases (gnomAD no frequency). This variant has not been reported in the literature in individuals affected with TRDN-related conditions. ClinVar contains an entry for this variant (Variation ID: 1411426). Algorithms developed to predict the effect of missense changes on protein structure and function output the following: SIFT: "Tolerated"; PolyPhen-2: "Benign"; Align-GVGD: "Class C0". The valine amino acid residue is found in multiple mammalian species, which suggests that this missense change does not adversely affect protein function. In summary, the available evidence is currently insufficient to determine the role of this variant in disease. Therefore, it has been classified as a Variant of Uncertain Significance.

NM_006073.4(TRDN):c.1600A>G (p.Ile534Val)

Gene: TRDN (triadin; minus strand). Cytogenetic location: 6q22.31.
Variant type: single nucleotide variant.
Coding change: c.1600A>G on transcript NM_006073.4 (MANE Select); coding-DNA position 1600, A replaced by G.
Protein change: p.Ile534Val; replaces isoleucine 534 with valine.
Molecular consequence: missense variant.
Genome position (GRCh38, 1-based): chr6:123,273,361, T>C on the plus strand (A>G on the coding strand, the complement: TRDN is on the minus strand). VCF-style: chr6-123273361-T-C. GRCh37 (hg19) VCF-style: chr6-123594506-T-C.
Other names: short protein forms I534V.
Identifiers: ClinVar variation 1411426 (VCV001411426.7), dbSNP rs1048725851, ClinGen allele CA147231757.
Genomic context (GRCh38, chr6:123,273,361, plus strand): 5'-GAAAGTCTAAGCATAAAAGATAAAATTAATACATACTGTGTATTTGCACTTTTTCAGATA[T>C]AGCTAAAATAAATAAATAACATATTAGATTAAATTACCTGCAAAATGGAGTATTTAACAA-3'
Protein context (NP_006064.2, residues 524-544): PQIKKEAKPA[Ile534Val]SEKVQIHKQD